The following is an entry in ClinVar:

NM_001040142.2(SCN2A):c.2339delinsTATCCCATGG (p.His780delinsLeuSerHisGly)

Gene: SCN2A (sodium voltage-gated channel alpha subunit 2; plus strand). Cytogenetic location: 2q24.3.
Variant type: Indel.
Coding change: c.2339delinsTATCCCATGG on transcript NM_001040142.2 (MANE Select); coding-DNA position 2339, A replaced by TATCCCATGG.
Protein change: p.His780delinsLeuSerHisGly.
Molecular consequence: inframe indel.
Genome position (GRCh38, 1-based): chr2:165,331,519, A replaced by TATCCCATGG. VCF-style: chr2-165331519-A-TATCCCATGG. GRCh37 (hg19) VCF-style: chr2-166188029-A-TATCCCATGG.
Other names: c.2339delinsTATCCCATGG, p.His780delinsLeuSerHisGly (NM_001040143.2, NM_001371246.1, NM_001371247.1 and 1 more transcripts).
Identifiers: ClinVar variation 3903100 (VCV003903100.1).

ClinVar aggregate classification (germline): Uncertain significance (1 of 4 stars; one submission).

Submission:

GeneDx
Classification: Uncertain significance. Last evaluated: 2024-12-13. Review status: criteria provided, single submitter. Criteria: GeneDx Variant Classification Process June 2021. Collection method: clinical testing. Allele origin: germline. Affected: yes.
Comment: Not observed at significant frequency in large population cohorts (gnomAD); In-frame insertion of 4 amino acids and deletion of 1 amino acid in a non-repeat region; Has not been previously published as pathogenic or benign to our knowledge; This substitution is predicted to be within the extracellular loop between the S1 and S2 transmembrane segments of the second homologous domain